The following is an entry in ClinVar:

NM_006514.4(SCN10A):c.3192G>A (p.Thr1064=)

Genes: SCN10A (sodium voltage-gated channel alpha subunit 10; minus strand), LOC110121288 (VISTA enhancer hs2268; plus strand). Cytogenetic location: 3p22.2.
Variant type: single nucleotide variant.
Coding change: c.3192G>A on transcript NM_006514.4 (MANE Select); coding-DNA position 3192, G replaced by A.
Protein change: p.Thr1064=; no amino-acid change (threonine 1064 retained).
Molecular consequence: synonymous variant.
Genome position (GRCh38, 1-based): chr3:38,725,210, C>T on the plus strand (G>A on the coding strand, the complement: SCN10A is on the minus strand). VCF-style: chr3-38725210-C-T. GRCh37 (hg19) VCF-style: chr3-38766701-C-T.
Other names: p.Thr1064=; c.3189G>A, p.Thr1063= (NM_001293306.2); c.2898G>A, p.Thr966= (NM_001293307.2).
Identifiers: ClinVar variation 259995 (VCV000259995.21), dbSNP rs6791171, ClinGen allele CA2320324.

ClinVar aggregate classification (germline): Benign. Review status: criteria provided, multiple submitters, no conflicts (2 of 4 stars). 11 submissions from 11 submitters: Benign (9). 2 of the submissions do not count toward it. Last evaluated 2026-02-04.

Conditions:
Brugada syndrome. Also called: Sudden unexplained nocturnal death syndrome; Sudden Unexplained Death Syndrome; Sudden Unexplained Nocturnal Death Syndrome (SUNDS); Sudden unexpected nocturnal death syndrome. Identifiers: Orphanet 130, MedGen C1142166, MONDO:0015263.
Cardiovascular phenotype. Identifiers: MedGen CN230736.

Allele frequency attached by ClinVar (database versions not stated): 1000 Genomes Project 0.11542; 1000 Genomes Project 30x 0.12039; gnomAD exomes 0.12149 and 0.14198; ExAC 0.12560; gnomAD 0.15187 and 0.15667; TOPMed 0.15567; ESP Exome Variant Server 0.16116.
gnomAD v4.1: 228,521 of 1,604,944 alleles (14%); highest among the groups gnomAD compares: African/African-American, 21%; 17,413 homozygotes.

Submissions (11):

Labcorp Genetics (formerly Invitae), Labcorp
Classification: Benign for Brugada syndrome. Last evaluated: 2026-02-04. Review status: criteria provided, single submitter. Criteria: Invitae Variant Classification Sherloc (09022015). Collection method: clinical testing. Allele origin: germline.

Blueprint Genetics
Classification: Benign. Last evaluated: 2024-11-26. Review status: criteria provided, single submitter. Criteria: ACMG Guidelines, 2015. Collection method: clinical testing. Allele origin: germline.

Women's Health and Genetics/Laboratory Corporation of America, LabCorp
Classification: Benign. Last evaluated: 2023-04-09. Review status: criteria provided, single submitter. Criteria: LabCorp Variant Classification Summary - May 2015. Collection method: clinical testing. Allele origin: germline.

Ambry Genetics
Classification: Benign for Cardiovascular phenotype. Last evaluated: 2018-12-19. Review status: criteria provided, single submitter. Criteria: Ambry Variant Classification Scheme 2023. Collection method: clinical testing. Allele origin: germline.

Mayo Clinic Laboratories, Mayo Clinic
Classification: Benign. Last evaluated: 2017-08-24. Review status: criteria provided, single submitter. Criteria: ACMG Guidelines, 2015. Collection method: clinical testing. Allele origin: germline. Observed: 378 variant alleles.

GeneDx
Classification: Benign. Last evaluated: 2016-09-26. Review status: criteria provided, single submitter. Criteria: GeneDx Variant Classification (06012015). Collection method: clinical testing. Allele origin: germline. Affected: yes.
Comment: This variant is considered likely benign or benign based on one or more of the following criteria: it is a conservative change, it occurs at a poorly conserved position in the protein, it is predicted to be benign by multiple in silico algorithms, and/or has population frequency not consistent with disease.

Molecular Diagnostic Laboratory for Inherited Cardiovascular Disease, Montreal Heart Institute
Classification: Benign. Last evaluated: 2016-06-10. Review status: criteria provided, single submitter. Criteria: ACMG Guidelines, 2015. Collection method: clinical testing. Allele origin: germline. Affected: yes.

Breakthrough Genomics
Classification: Benign. Review status: criteria provided, single submitter. Criteria: ACMG Guidelines, 2015. Collection method: not provided. Allele origin: germline. Inheritance: Autosomal dominant inheritance. Affected: yes.

PreventionGenetics, part of Exact Sciences
Classification: Benign. Review status: criteria provided, single submitter. Criteria: ACMG Guidelines, 2015. Collection method: clinical testing. Allele origin: germline.

Clinical Genetics, Academic Medical Center
Classification: Benign. Review status: no assertion criteria provided. Collection method: clinical testing. Allele origin: germline. Affected: yes. Study: VKGL Data-share Consensus. Not counted in ClinVar's aggregate classification.

Joint Genome Diagnostic Labs from Nijmegen and Maastricht, Radboudumc and MUMC+
Classification: Benign. Review status: no assertion criteria provided. Collection method: clinical testing. Allele origin: germline. Affected: yes. Study: VKGL Data-share Consensus. Not counted in ClinVar's aggregate classification.